The following is an entry in ClinVar:

ClinVar aggregate classification (germline): Benign/Likely benign. Review status: criteria provided, multiple submitters, no conflicts (2 of 4 stars). 3 submissions from 3 submitters: Benign (1); Likely benign (2). Last evaluated 2024-09-24.

Conditions:
Hereditary cancer-predisposing syndrome. Also called: Tumor predisposition; Hereditary Cancer Syndrome; Neoplastic Syndromes, Hereditary; Hereditary neoplastic syndrome. Identifiers: Orphanet 140162, MedGen C0027672, MeSH D009386, MONDO:0015356.
Hereditary diffuse gastric adenocarcinoma (HDGC). Also called: DIFFUSE GASTRIC AND LOBULAR BREAST CANCER SYNDROME. Identifiers: Orphanet 26106, MedGen C1708349, MONDO:0007648, OMIM 137215.

Submissions (3):

Myriad Genetics, Inc.
Classification: Benign for Hereditary diffuse gastric adenocarcinoma. Last evaluated: 2024-09-24. Review status: criteria provided, single submitter. Criteria: Myriad Autosomal Dominant, Autosomal Recessive and X-Linked Classification Criteria (2023). Collection method: clinical testing. Allele origin: unknown.
Comment: This variant is considered benign. This variant is a silent/synonymous amino acid change and it is not expected to impact splicing.

Labcorp Genetics (formerly Invitae), Labcorp
Classification: Likely benign for Hereditary diffuse gastric adenocarcinoma. Last evaluated: 2024-06-05. Review status: criteria provided, single submitter. Criteria: Invitae Variant Classification Sherloc (09022015). Collection method: clinical testing. Allele origin: germline.

Ambry Genetics
Classification: Likely benign for Hereditary cancer-predisposing syndrome. Last evaluated: 2020-01-27. Review status: criteria provided, single submitter. Criteria: Ambry Variant Classification Scheme 2023. Collection method: clinical testing. Allele origin: germline.

NM_004360.5(CDH1):c.2616G>A (p.Leu872=)

Gene: CDH1 (cadherin 1; plus strand). Cytogenetic location: 16q22.1.
Variant type: single nucleotide variant.
Coding change: c.2616G>A on transcript NM_004360.5 (MANE Select); coding-DNA position 2616, G replaced by A.
Protein change: p.Leu872=; no amino-acid change (leucine 872 retained).
Molecular consequence: synonymous variant.
Genome position (GRCh38, 1-based): chr16:68,833,466, G>A. VCF-style: chr16-68833466-G-A. GRCh37 (hg19) VCF-style: chr16-68867369-G-A.
Other names: c.2433G>A, p.Leu811= (NM_001317184.2); c.1068G>A, p.Leu356= (NM_001317185.2); c.651G>A, p.Leu217= (NM_001317186.2).
Identifiers: ClinVar variation 750015 (VCV000750015.11), dbSNP rs1596976693, ClinGen allele CA496393225.